The following is an entry in ClinVar:

ClinVar aggregate classification (germline): Uncertain significance (1 of 4 stars; one submission).

Allele frequency attached by ClinVar (database versions not stated): gnomAD 0.00002; ExAC 0.00003; TOPMed 0.00004; ESP Exome Variant Server 0.00008.
gnomAD v4.1: 65 of 1,609,148 alleles (0.004%); highest among the groups gnomAD compares: Non-Finnish European, 0.0054%; no homozygotes.

Submission:

Labcorp Genetics (formerly Invitae), Labcorp
Classification: Uncertain significance. Last evaluated: 2022-06-22. Review status: criteria provided, single submitter. Criteria: Invitae Variant Classification Sherloc (09022015). Collection method: clinical testing. Allele origin: germline.
Comment: This sequence change replaces arginine, which is basic and polar, with cysteine, which is neutral and slightly polar, at codon 809 of the ANO6 protein (p.Arg809Cys). This variant is present in population databases (rs141980380, gnomAD 0.006%). This variant has not been reported in the literature in individuals affected with ANO6-related conditions. Advanced modeling of protein sequence and biophysical properties (such as structural, functional, and spatial information, amino acid conservation, physicochemical variation, residue mobility, and thermodynamic stability) performed at Invitae indicates that this missense variant is expected to disrupt ANO6 protein function. In summary, the available evidence is currently insufficient to determine the role of this variant in disease. Therefore, it has been classified as a Variant of Uncertain Significance.

NM_001025356.3(ANO6):c.2425C>T (p.Arg809Cys)

Gene: ANO6 (anoctamin 6; plus strand). Cytogenetic location: 12q12.
Variant type: single nucleotide variant.
Coding change: c.2425C>T on transcript NM_001025356.3 (MANE Select); coding-DNA position 2425, C replaced by T.
Protein change: p.Arg809Cys; replaces arginine 809 with cysteine.
Molecular consequence: missense variant.
Genome position (GRCh38, 1-based): chr12:45,422,961, C>T. VCF-style: chr12-45422961-C-T. GRCh37 (hg19) VCF-style: chr12-45816744-C-T.
Other names: c.2371C>T, p.Arg791Cys (NM_001142678.2); c.2425C>T, p.Arg809Cys (NM_001142679.2); c.2488C>T, p.Arg830Cys (NM_001204803.2); c.2392C>T, p.Arg798Cys (NM_001410973.1); short protein forms R809C, R830C, R798C, R791C.
Identifiers: ClinVar variation 1918345 (VCV001918345.4), dbSNP rs141980380, ClinGen allele CA6525620.